The following is an entry in ClinVar:

ClinVar aggregate classification (germline): Uncertain significance (1 of 4 stars; one submission).

Allele frequency attached by ClinVar (database versions not stated): TOPMed below 0.00001.

Submission:

Labcorp Genetics (formerly Invitae), Labcorp
Classification: Uncertain significance. Last evaluated: 2022-06-29. Review status: criteria provided, single submitter. Criteria: Invitae Variant Classification Sherloc (09022015). Collection method: clinical testing. Allele origin: germline.
Comment: In summary, the available evidence is currently insufficient to determine the role of this variant in disease. Therefore, it has been classified as a Variant of Uncertain Significance. Algorithms developed to predict the effect of missense changes on protein structure and function (SIFT, PolyPhen-2, Align-GVGD) all suggest that this variant is likely to be tolerated. This variant has not been reported in the literature in individuals affected with VPS13A-related conditions. This variant is not present in population databases (gnomAD no frequency). This sequence change replaces tyrosine, which is neutral and polar, with histidine, which is basic and polar, at codon 1587 of the VPS13A protein (p.Tyr1587His).

NM_033305.3(VPS13A):c.4759T>C (p.Tyr1587His)

Gene: VPS13A (vacuolar protein sorting 13 homolog A; plus strand). Cytogenetic location: 9q21.2.
Variant type: single nucleotide variant.
Coding change: c.4759T>C on transcript NM_033305.3 (MANE Select); coding-DNA position 4759, T replaced by C.
Protein change: p.Tyr1587His; replaces tyrosine 1587 with histidine.
Molecular consequence: missense variant.
Genome position (GRCh38, 1-based): chr9:77,316,302, T>C. VCF-style: chr9-77316302-T-C. GRCh37 (hg19) VCF-style: chr9-79931218-T-C.
Other names: c.4642T>C, p.Tyr1548His (NM_001018037.2); c.4759T>C, p.Tyr1587His (NM_001018038.3, NM_015186.4); short protein forms Y1587H, Y1548H.
Identifiers: ClinVar variation 1968032 (VCV001968032.3), dbSNP rs1829383607, ClinGen allele CA373857347.
Genomic context (GRCh38, chr9:77,316,302, plus strand): 5'-GCTGACATGACAAAAAATGATGCTCCTGCTTTAGTCATTACAACACAATGTGAAATTTGC[T>C]ATAAAGGTAACCTTGAAAATAGTACAATGACTGCTGCCATTAAAGATCTCCAAGTGAGAG-3'
Protein context (NP_150648.2, residues 1577-1597): LVITTQCEIC[Tyr1587His]KGNLENSTMT